The following is an entry in ClinVar:

NM_004360.5(CDH1):c.72G>A (p.Glu24=)

Gene: CDH1 (cadherin 1; plus strand). Cytogenetic location: 16q22.1.
Variant type: single nucleotide variant.
Coding change: c.72G>A on transcript NM_004360.5 (MANE Select); coding-DNA position 72, G replaced by A.
Protein change: p.Glu24=; no amino-acid change (glutamic acid 24 retained).
Molecular consequence: synonymous variant. On other transcripts: 5 prime UTR variant (2).
Genome position (GRCh38, 1-based): chr16:68,738,320, G>A. VCF-style: chr16-68738320-G-A. GRCh37 (hg19) VCF-style: chr16-68772223-G-A.
Other names: c.72G>A, p.Glu24= (NM_001317184.2); c.-1544G>A (NM_001317185.2); c.-1748G>A (NM_001317186.2).
Identifiers: ClinVar variation 1332198 (VCV001332198.3), dbSNP rs2152114363, ClinGen allele CA496149592.

ClinVar aggregate classification (germline): Benign/Likely benign. Review status: criteria provided, multiple submitters, no conflicts (2 of 4 stars). 2 submissions from 2 submitters: Benign (1); Likely benign (1). Last evaluated 2024-09-11.

Conditions:
Hereditary cancer-predisposing syndrome. Also called: Hereditary Cancer Syndrome; Hereditary neoplastic syndrome; Neoplastic Syndromes, Hereditary; Tumor predisposition. Identifiers: Orphanet 140162, MedGen C0027672, MeSH D009386, MONDO:0015356.
Hereditary diffuse gastric adenocarcinoma (HDGC). Also called: DIFFUSE GASTRIC AND LOBULAR BREAST CANCER SYNDROME. Identifiers: Orphanet 26106, MedGen C1708349, MONDO:0007648, OMIM 137215.

Submissions (2):

Myriad Genetics, Inc.
Classification: Benign for Hereditary diffuse gastric adenocarcinoma. Last evaluated: 2024-09-11. Review status: criteria provided, single submitter. Criteria: Myriad Autosomal Dominant, Autosomal Recessive and X-Linked Classification Criteria (2023). Collection method: clinical testing. Allele origin: unknown.
Comment: This variant is considered benign. This variant is a silent/synonymous amino acid change and it is not expected to impact splicing.

Color Diagnostics, LLC DBA Color Health
Classification: Likely benign for Hereditary cancer-predisposing syndrome. Last evaluated: 2021-07-13. Review status: criteria provided, single submitter. Criteria: ACMG Guidelines, 2015. Collection method: clinical testing. Allele origin: germline.